The following is an entry in ClinVar:

NM_001199397.3(NEK1):c.869-6A>G

Gene: NEK1 (NIMA related kinase 1; minus strand). Cytogenetic location: 4q33.
Variant type: single nucleotide variant.
Coding change: c.869-6A>G on transcript NM_001199397.3 (MANE Select); 6 bases into the intron before coding-DNA position 869, A replaced by G.
Molecular consequence: intron variant.
Genome position (GRCh38, 1-based): chr4:169,577,085, T>C on the plus strand (A>G on the coding strand, the complement: NEK1 is on the minus strand). VCF-style: chr4-169577085-T-C. GRCh37 (hg19) VCF-style: chr4-170498236-T-C.
Other names: c.869-6A>G (NM_001374421.1, NM_001374420.1, NM_001199399.3 and 7 more transcripts).
Identifiers: ClinVar variation 3030936 (VCV003030936.4), dbSNP rs746938912, ClinGen allele CA3137919.

ClinVar aggregate classification (germline): Likely benign. Review status: criteria provided, single submitter (1 of 4 stars). 2 submissions from 2 submitters: Likely benign (1). 1 of the submissions does not count toward it. Last evaluated 2024-03-21.

Conditions:
Short-rib thoracic dysplasia 6 with or without polydactyly (SRTD6). Also called: POLYDACTYLY WITH NEONATAL CHONDRODYSTROPHY, TYPE II; SHORT-RIB THORACIC DYSPLASIA 6 WITH POLYDACTYLY; SHORT-RIB THORACIC DYSPLASIA 6 WITHOUT POLYDACTYLY; Majewski Syndrome; SHORT RIB-POLYDACTYLY SYNDROME, TYPE IIA. Identifiers: MedGen C0024507, MONDO:0009894, OMIM 263520.
NEK1-related disorder. Also called: NEK1-related condition.

Allele frequency attached by ClinVar (database versions not stated): TOPMed below 0.00001; ExAC 0.00001; gnomAD 0.00001.
gnomAD v4.1: 3 of 1,613,120 alleles (0.00019%); highest among the groups gnomAD compares: Admixed American, 0.0033%; no homozygotes.

Submissions (2):

Labcorp Genetics (formerly Invitae), Labcorp
Classification: Likely benign for Short-rib thoracic dysplasia 6 with or without polydactyly. Last evaluated: 2024-03-21. Review status: criteria provided, single submitter. Criteria: Invitae Variant Classification Sherloc (09022015). Collection method: clinical testing. Allele origin: germline.

PreventionGenetics, part of Exact Sciences
Classification: Likely benign for NEK1-related condition. Last evaluated: 2023-07-26. Review status: no assertion criteria provided. Collection method: clinical testing. Allele origin: germline. Not counted in ClinVar's aggregate classification.
Comment: This variant is classified as likely benign based on ACMG/AMP sequence variant interpretation guidelines (Richards et al. 2015 PMID: 25741868, with internal and published modifications).